The following is an entry in ClinVar:

NM_000214.3(JAG1):c.730T>A (p.Ser244Thr)

Gene: JAG1 (jagged canonical Notch ligand 1; minus strand). Cytogenetic location: 20p12.2.
Variant type: single nucleotide variant.
Coding change: c.730T>A on transcript NM_000214.3 (MANE Select); coding-DNA position 730, T replaced by A.
Protein change: p.Ser244Thr; replaces serine 244 with threonine.
Molecular consequence: missense variant.
Genome position (GRCh38, 1-based): chr20:10,656,423, A>T on the plus strand (T>A on the coding strand, the complement: JAG1 is on the minus strand). VCF-style: chr20-10656423-A-T. GRCh37 (hg19) VCF-style: chr20-10637071-A-T.
Other names: short protein forms S244T.
Identifiers: ClinVar variation 3573359 (VCV003573359.2).

Conditions:
Arteriohepatic dysplasia. Also called: Alagille Syndrome. Identifiers: Orphanet 52, MedGen C0085280, MeSH D016738, MONDO:0007318.

Submission:

Gilbert/Spinner Lab, Children's Hospital of Philadelphia
No classification provided (evidence only). Condition: Alagille syndrome. Review status: no classification provided. Collection method: research. Allele origin: not applicable. Functional consequence: functionally_abnormal.
ClinVar note: "not provided" was previously submitted as the classification for the variant. However, the classification appeared to be based only on an observation of functional data so it was converted to no classification on 2025-07-30.